The following is an entry in ClinVar:

NM_152564.5(VPS13B):c.581-2A>G

Gene: VPS13B (vacuolar protein sorting 13 homolog B; plus strand). Cytogenetic location: 8q22.2.
Variant type: single nucleotide variant.
Coding change: c.581-2A>G on transcript NM_152564.5 (MANE Select); the canonical splice acceptor site of the intron before coding-DNA position 581, A replaced by G.
Molecular consequence: splice acceptor variant.
Genome position (GRCh38, 1-based): chr8:99,111,096, A>G. VCF-style: chr8-99111096-A-G. GRCh37 (hg19) VCF-style: chr8-100123324-A-G.
Other names: c.581-2A>G (NM_017890.5, NM_015243.3, NM_181661.3).
Identifiers: ClinVar variation 5003629 (VCV005003629.1).

ClinVar aggregate classification (germline): Likely pathogenic (1 of 4 stars; one submission).

Conditions:
Cohen syndrome (COH1). Also called: Cutis verticis gyrata, retinitis pigmentosa, and sensorineural deafness; PEPPER SYNDROME. Identifiers: Orphanet 193, MedGen C0265223, MONDO:0008999, OMIM 216550.

gnomAD v4.1: 1 of 1,592,554 alleles (0.000063%); highest among the groups gnomAD compares: Non-Finnish European, 0.000085%; no homozygotes.

Submission:

Myriad Genetics, Inc.
Classification: Likely pathogenic for Cohen syndrome. Last evaluated: 2026-02-26. Review status: criteria provided, single submitter. Criteria: Myriad Autosomal Dominant, Autosomal Recessive and X-Linked Classification Criteria (2023). Collection method: clinical testing. Allele origin: unknown.
Comment: NM_017890.4(VPS13B):c.581-2A>G is a variant in a canonical splice site classified as likely pathogenic in the context of Cohen syndrome. c.581-2A>G has not been observed in cases with relevant disease. Relevant functional assessments of this variant are not available in the literature. c.581-2A>G has not been observed in referenced population frequency databases. In summary, NM_017890.4(VPS13B):c.581-2A>G is a variant in a canonical splice site in a gene where loss of function is a known mechanism of disease and is predicted to disrupt protein function. Please note: this variant was assessed in the context of healthy population screening.